The following is an entry in ClinVar:

ClinVar aggregate classification (germline): Uncertain significance (1 of 4 stars; one submission).

Submission:

GeneDx
Classification: Uncertain significance. Last evaluated: 2019-10-17. Review status: criteria provided, single submitter. Criteria: GeneDx Variant Classification Process June 2021. Collection method: clinical testing. Allele origin: germline. Affected: yes.
Comment: Not observed in large population cohorts (Lek et al., 2016); In silico analysis, which includes protein predictors and evolutionary conservation, supports that this variant does not alter protein structure/function; Has not been previously published as pathogenic or benign to our knowledge

NM_031407.7(HUWE1):c.766C>G (p.Leu256Val)

Gene: HUWE1 (HECT, UBA and WWE domain containing E3 ubiquitin protein ligase 1; minus strand). Cytogenetic location: Xp11.22.
Variant type: single nucleotide variant.
Coding change: c.766C>G on transcript NM_031407.7 (MANE Select); coding-DNA position 766, C replaced by G.
Protein change: p.Leu256Val; replaces leucine 256 with valine.
Molecular consequence: missense variant.
Genome position (GRCh38, 1-based): chrX:53,631,031, G>C on the plus strand (C>G on the coding strand, the complement: HUWE1 is on the minus strand). VCF-style: chrX-53631031-G-C. GRCh37 (hg19) VCF-style: chrX-53657983-G-C.
Other names: short protein forms L256V.
Identifiers: ClinVar variation 1304254 (VCV001304254.2), dbSNP rs2149056971, ClinGen allele CA413159251.